The following is an entry in ClinVar:

NM_004329.3(BMPR1A):c.812G>A (p.Trp271Ter)

Gene: BMPR1A (bone morphogenetic protein receptor type 1A; plus strand). Cytogenetic location: 10q23.2.
Variant type: single nucleotide variant.
Coding change: c.812G>A on transcript NM_004329.3 (MANE Select); coding-DNA position 812, G replaced by A.
Protein change: p.Trp271Ter; replaces tryptophan 271 with a stop codon.
Molecular consequence: nonsense.
Genome position (GRCh38, 1-based): chr10:86,917,270, G>A. VCF-style: chr10-86917270-G-A. GRCh37 (hg19) VCF-style: chr10-88677027-G-A.
Other names: c.812G>A (NM_004329.2); short protein forms W271*.
Identifiers: ClinVar variation 8231 (VCV000008231.10), dbSNP rs199476085, ClinGen allele CA254358.
Genomic context (GRCh38, chr10:86,917,270, plus strand): 5'-GCAAATGGCGTGGCGAAAAAGTGGCGGTGAAAGTATTCTTTACCACTGAAGAAGCCAGCT[G>A]GTTTCGAGAAACAGAAATCTACCAAACTGTGCTAATGCGCCATGAAAACATACTTGGTGG-3'

ClinVar aggregate classification (germline): Pathogenic. Review status: criteria provided, multiple submitters, no conflicts (2 of 4 stars). 3 submissions from 3 submitters: Pathogenic (2). 1 of the submissions does not count toward it. Last evaluated 2023-12-05.

Conditions:
Hereditary cancer-predisposing syndrome. Also called: Tumor predisposition; Hereditary neoplastic syndrome; Hereditary Cancer Syndrome; Neoplastic Syndromes, Hereditary. Identifiers: Orphanet 140162, MedGen C0027672, MeSH D009386, MONDO:0015356.
Juvenile polyposis syndrome (JPS). Identifiers: Orphanet 2929, MedGen C0345893, MONDO:0017380, OMIM 174900.

Submissions (3):

Ambry Genetics
Classification: Pathogenic for Hereditary cancer-predisposing syndrome. Last evaluated: 2023-12-05. Review status: criteria provided, single submitter. Criteria: Ambry Variant Classification Scheme 2023. Collection method: clinical testing. Allele origin: germline.
Comment: The p.W271* variant (also known as c.812G>A), located in coding exon 7 of the BMPR1A gene, results from a G to A substitution at nucleotide position 812. This changes the amino acid from a tryptophan to a stop codon within coding exon 7. This alteration has been reported in an individual with a personal and family history of juvenile polyposis syndrome (JPS) (Howe JR et al. Nat Genet, 2001 Jun;28:184-7). This variant is considered to be rare based on population cohorts in the Genome Aggregation Database (gnomAD). This alteration is expected to result in loss of function by premature protein truncation or nonsense-mediated mRNA decay. As such, this alteration is interpreted as a disease-causing mutation.

ARUP Laboratories, Molecular Genetics and Genomics, ARUP Laboratories
Classification: Pathogenic. Last evaluated: 2021-01-05. Review status: criteria provided, single submitter. Criteria: ARUP Molecular Germline Variant Investigation Process 2021. Collection method: clinical testing. Allele origin: germline.
Comment: The BMPR1A c.812G>A; p.Trp271Ter variant (rs199476085) is reported in the literature in several individuals affected with juvenile polyposis syndrome (Calva-Cerqueira 2009, Howe 2001). The variant segregated with disease in at least five affected individuals in one kindred (Howe 2001). This variant is absent from general population databases (Exome Variant Server, Genome Aggregation Database), indicating it is not a common polymorphism. This variant induces an early termination codon and is predicted to result in a truncated protein or mRNA subject to nonsense-mediated decay. Based on available information, this variant is considered to be pathogenic. References: Calva-Cerqueira D et al. The rate of germline mutations and large deletions of SMAD4 and BMPR1A in juvenile polyposis. Clin Genet. 2009 Jan;75(1):79-85. Howe JR et al. Germline mutations of the gene encoding bone morphogenetic protein receptor 1A in juvenile polyposis. Nat Genet. 2001 Jun;28(2):184-7.

OMIM
Classification: Pathogenic for JUVENILE POLYPOSIS SYNDROME. Last evaluated: 2001-06-01. Review status: no assertion criteria provided. Collection method: literature only. Allele origin: germline. Not counted in ClinVar's aggregate classification.

Literature cited by the submitters: PubMed 11381269 (cited by Ambry Genetics and OMIM).